The following is an entry in ClinVar:

ClinVar aggregate classification (germline): Uncertain significance (1 of 4 stars; one submission).

Conditions:
Mosaic variegated aneuploidy syndrome 1 (MVA1). Also called: Warburton-Anyane-Yeboa syndrome. Identifiers: Orphanet 1052, MedGen C1850343, MONDO:0009759, OMIM 257300.

Submission:

Labcorp Genetics (formerly Invitae), Labcorp
Classification: Uncertain significance for Mosaic variegated aneuploidy syndrome 1. Last evaluated: 2021-09-04. Review status: criteria provided, single submitter. Criteria: Invitae Variant Classification Sherloc (09022015). Collection method: clinical testing. Allele origin: germline.
Comment: This sequence change replaces aspartic acid with histidine at codon 952 of the BUB1B protein (p.Asp952His). The aspartic acid residue is highly conserved and there is a moderate physicochemical difference between aspartic acid and histidine. In summary, the available evidence is currently insufficient to determine the role of this variant in disease. Therefore, it has been classified as a Variant of Uncertain Significance. Algorithms developed to predict the effect of missense changes on protein structure and function are either unavailable or do not agree on the potential impact of this missense change (SIFT: "Deleterious"; PolyPhen-2: "Probably Damaging"; Align-GVGD: "Class C0"). This variant has not been reported in the literature in individuals affected with BUB1B-related conditions. This variant is not present in population databases (ExAC no frequency).

NM_001211.6(BUB1B):c.2854G>C (p.Asp952His)

Genes: BUB1B (BUB1 mitotic checkpoint serine/threonine kinase B; plus strand), BUB1B-PAK6 (BUB1B-PAK6 readthrough; plus strand). Cytogenetic location: 15q15.1.
Variant type: single nucleotide variant.
Coding change: c.2854G>C on transcript NM_001211.6 (MANE Select); coding-DNA position 2854, G replaced by C.
Protein change: p.Asp952His; replaces aspartic acid 952 with histidine.
Molecular consequence: missense variant. On other transcripts: intron variant (2).
Genome position (GRCh38, 1-based): chr15:40,218,459, G>C. VCF-style: chr15-40218459-G-C. GRCh37 (hg19) VCF-style: chr15-40510660-G-C.
Other names: c.-201+792G>C (NM_001128628.3); c.-118+792G>C (NM_001128629.3); short protein forms D952H.
Identifiers: ClinVar variation 1365445 (VCV001365445.6), dbSNP rs2140912289, ClinGen allele CA391688180.